The following is an entry in ClinVar:

ClinVar aggregate classification (germline): Uncertain significance (1 of 4 stars; one submission).

Conditions:
Glycogen storage disease due to muscle and heart glycogen synthase deficiency. Also called: GSD 0b; MUSCLE GLYCOGEN SYNTHASE DEFICIENCY. Identifiers: Orphanet 137625, MedGen C1969054, MONDO:0012693, OMIM 611556.

Submission:

Labcorp Genetics (formerly Invitae), Labcorp
Classification: Uncertain significance for Glycogen storage disease due to muscle and heart glycogen synthase deficiency. Last evaluated: 2025-02-10. Review status: criteria provided, single submitter. Criteria: Invitae Variant Classification Sherloc (09022015). Collection method: clinical testing. Allele origin: germline.
Comment: This sequence change results in a frameshift in the GYS1 gene (p.Arg736Leufs*106). While this is not anticipated to result in nonsense mediated decay, it is expected to disrupt the last 2 amino acid(s) of the GYS1 protein and extend the protein by 103 additional amino acid residues. This variant is not present in population databases (gnomAD no frequency). This variant has not been reported in the literature in individuals affected with GYS1-related conditions. ClinVar contains an entry for this variant (Variation ID: 861694). Experimental studies and prediction algorithms are not available or were not evaluated, and the functional significance of this variant is currently unknown. In summary, the available evidence is currently insufficient to determine the role of this variant in disease. Therefore, it has been classified as a Variant of Uncertain Significance.

NM_002103.5(GYS1):c.2207del (p.Arg736fs)

Gene: GYS1 (glycogen synthase 1; minus strand). Cytogenetic location: 19q13.33.
Variant type: Deletion.
Coding change: c.2207del on transcript NM_002103.5 (MANE Select); coding-DNA position 2207, one base deleted (G; older notation c.2207delG).
Protein change: p.Arg736fs; shifts the reading frame from arginine 736.
Molecular consequence: frameshift variant. On other transcripts: non-coding transcript variant (1).
Genome position (GRCh38, 1-based): chr19:48,969,295, C deleted on the plus strand (G on the coding strand, the reverse complement: GYS1 is on the minus strand). VCF-style (leftmost placement, unchanged base first): chr19-48969294-AC-A. GRCh37 (hg19) VCF-style: chr19-49472551-AC-A.
Other names: c.2015del, p.Arg672fs (NM_001161587.2); short protein forms R672fs, R736fs.
Identifiers: ClinVar variation 861694 (VCV000861694.7), dbSNP rs2038513000, ClinGen allele CA916083707.